The following is an entry in ClinVar:

ClinVar aggregate classification (germline): Uncertain significance (1 of 4 stars; one submission).

Conditions:
Hereditary cancer-predisposing syndrome. Also called: Hereditary Cancer Syndrome; Tumor predisposition; Hereditary neoplastic syndrome; Neoplastic Syndromes, Hereditary. Identifiers: Orphanet 140162, MedGen C0027672, MeSH D009386, MONDO:0015356.

gnomAD v4.1: 1 of 1,612,680 alleles (0.000062%); highest among the groups gnomAD compares: African/African-American, 0.0013%; no homozygotes.

Submission:

Ambry Genetics
Classification: Uncertain significance for Hereditary cancer-predisposing syndrome. Last evaluated: 2024-03-15. Review status: criteria provided, single submitter. Criteria: Ambry Variant Classification Scheme 2023. Collection method: clinical testing. Allele origin: germline.
Comment: The p.D2218Y variant (also known as c.6652G>T), located in coding exon 10 of the BRCA2 gene, results from a G to T substitution at nucleotide position 6652. The aspartic acid at codon 2218 is replaced by tyrosine, an amino acid with highly dissimilar properties. This amino acid position is conserved. In addition, the in silico prediction for this alteration is inconclusive. Based on the available evidence, the clinical significance of this alteration remains unclear.

NM_000059.4(BRCA2):c.6652G>T (p.Asp2218Tyr)

Gene: BRCA2 (BRCA2 DNA repair associated; plus strand). Cytogenetic location: 13q13.1.
Variant type: single nucleotide variant.
Coding change: c.6652G>T on transcript NM_000059.4 (MANE Select); coding-DNA position 6652, G replaced by T.
Protein change: p.Asp2218Tyr; replaces aspartic acid 2218 with tyrosine.
Molecular consequence: missense variant. On other transcripts: non-coding transcript variant (1), intron variant (2).
Genome position (GRCh38, 1-based): chr13:32,341,007, G>T. VCF-style: chr13-32341007-G-T. GRCh37 (hg19) VCF-style: chr13-32915144-G-T.
Other names: c.6652G>T, p.Asp2218Tyr (NM_001406719.1, NM_001406720.1); c.1910-3551G>T (NM_001406721.1); c.425-3551G>T (NM_001406722.1); short protein forms D2218Y.
Identifiers: ClinVar variation 3261557 (VCV003261557.1).